The following is an entry in ClinVar:

NM_001267550.2(TTN):c.914+8T>C

Gene: TTN (titin; minus strand). Cytogenetic location: 2q31.2.
Variant type: single nucleotide variant.
Coding change: c.914+8T>C on transcript NM_001267550.2 (MANE Select); 8 bases into the intron after coding-DNA position 914, T replaced by C.
Molecular consequence: intron variant.
Genome position (GRCh38, 1-based): chr2:178,799,479, A>G on the plus strand (T>C on the coding strand, the complement: TTN is on the minus strand). VCF-style: chr2-178799479-A-G. GRCh37 (hg19) VCF-style: chr2-179664206-A-G.
Other names: c.914+8T>C (NM_003319.4, NM_133437.4, NM_133432.3 and 3 more transcripts).
Identifiers: ClinVar variation 710930 (VCV000710930.4), dbSNP rs527648094, ClinGen allele CA2006196.

ClinVar aggregate classification (germline): Likely benign. Review status: criteria provided, multiple submitters, no conflicts (2 of 4 stars). 2 submissions from 2 submitters: Likely benign (2). Last evaluated 2025-11-25.

Conditions:
TTN-related disorder. Also called: TTN-related condition; TTN-related disease; TTN-related disorders.

Allele frequency attached by ClinVar (database versions not stated): gnomAD exomes below 0.00001 and 0.00002; ExAC 0.00002; TOPMed 0.00003; gnomAD 0.00004 and 0.00005; 1000 Genomes Project 30x 0.00031; 1000 Genomes Project 0.00040.
gnomAD v4.1: 13 of 1,614,128 alleles (0.00081%); highest among the groups gnomAD compares: African/African-American, 0.013%; no homozygotes.

Submissions (2):

PreventionGenetics, part of Exact Sciences
Classification: Likely benign for TTN-related condition. Last evaluated: 2025-11-25. Review status: criteria provided, single submitter. Criteria: ACMG Guidelines, 2015. Collection method: clinical testing. Allele origin: germline.
Comment: This variant is classified as likely benign based on ACMG/AMP sequence variant interpretation guidelines (Richards et al. 2015 PMID: 25741868, with internal and published modifications).

Labcorp Genetics (formerly Invitae), Labcorp
Classification: Likely benign. Last evaluated: 2017-09-28. Review status: criteria provided, single submitter. Criteria: Invitae Variant Classification Sherloc (09022015). Collection method: clinical testing. Allele origin: germline.